The following is an entry in ClinVar:

NM_005591.4(MRE11):c.323G>C (p.Trp108Ser)

Gene: MRE11 (MRE11 double strand break repair nuclease; minus strand). Cytogenetic location: 11q21.
Variant type: single nucleotide variant.
Coding change: c.323G>C on transcript NM_005591.4 (MANE Select); coding-DNA position 323, G replaced by C.
Protein change: p.Trp108Ser; replaces tryptophan 108 with serine.
Molecular consequence: missense variant.
Genome position (GRCh38, 1-based): chr11:94,479,753, C>G on the plus strand (G>C on the coding strand, the complement: MRE11 is on the minus strand). VCF-style: chr11-94479753-C-G. GRCh37 (hg19) VCF-style: chr11-94212919-C-G.
Other names: c.323G>C, p.Trp108Ser (NM_001330347.2, NM_005590.4); short protein forms W108S.
Identifiers: ClinVar variation 481746 (VCV000481746.12), dbSNP rs1216591891, ClinGen allele CA382378665.
Genomic context (GRCh38, chr11:94,479,753, plus strand): 5'-TTGCCATGAATACTAAACACTGGAATTGAAATGTTGAGGTTGCCATCTTGATAGTTCACC[C>G]ATGGAAACCTTAAAAAAAAAAAGTTACTTAAAATTTCCATACGGGACAAAAGCTGTTTTC-3'
Protein context (NP_005582.1, residues 98-118): SVNFGFSKFP[Trp108Ser]VNYQDGNLNI

ClinVar aggregate classification (germline): Uncertain significance. Review status: criteria provided, multiple submitters, no conflicts (2 of 4 stars). 2 submissions from 2 submitters: Uncertain significance (2). Last evaluated 2022-10-01.

Conditions:
Ataxia-telangiectasia-like disorder (ATLD). Identifiers: MedGen C1858391, MONDO:0011457.
Hereditary cancer-predisposing syndrome. Also called: Neoplastic Syndromes, Hereditary; Tumor predisposition; Hereditary Cancer Syndrome; Hereditary neoplastic syndrome. Identifiers: Orphanet 140162, MedGen C0027672, MeSH D009386, MONDO:0015356.

Allele frequency attached by ClinVar (database versions not stated): gnomAD 0.00001; TOPMed 0.00001.

Submissions (2):

Ambry Genetics
Classification: Uncertain significance for Hereditary cancer-predisposing syndrome. Last evaluated: 2022-10-01. Review status: criteria provided, single submitter. Criteria: Ambry Variant Classification Scheme 2023. Collection method: clinical testing. Allele origin: germline.
Comment: The p.W108S variant (also known as c.323G>C), located in coding exon 4 of the MRE11A gene, results from a G to C substitution at nucleotide position 323. The tryptophan at codon 108 is replaced by serine, an amino acid with highly dissimilar properties. This amino acid position is highly conserved in available vertebrate species. In addition, this alteration is predicted to be deleterious by in silico analysis. Since supporting evidence is limited at this time, the clinical significance of this alteration remains unclear.

Labcorp Genetics (formerly Invitae), Labcorp
Classification: Uncertain significance for Ataxia-telangiectasia-like disorder. Last evaluated: 2018-09-24. Review status: criteria provided, single submitter. Criteria: Invitae Variant Classification Sherloc (09022015). Collection method: clinical testing. Allele origin: germline.
Comment: In summary, the available evidence is currently insufficient to determine the role of this variant in disease. Therefore, it has been classified as a Variant of Uncertain Significance. Algorithms developed to predict the effect of missense changes on protein structure and function (SIFT, PolyPhen-2, Align-GVGD) all suggest that this variant is likely to be tolerated, but these predictions have not been confirmed by published functional studies and their clinical significance is uncertain. This variant has not been reported in the literature in individuals with MRE11-related disease. ClinVar contains an entry for this variant (Variation ID:¬†481746). This variant is not present in population databases (ExAC no frequency). This sequence change replaces tryptophan with serine at codon 108 of the MRE11 protein (p.Trp108Ser). The tryptophan residue is moderately conserved and there is a large physicochemical difference between tryptophan and serine.